The following is an entry in ClinVar:

ClinVar aggregate classification (germline): Likely pathogenic (1 of 4 stars; one submission).

Conditions:
Metachromatic leukodystrophy (MLD). Also called: ARSA DEFICIENCY; CEREBROSIDE SULFATASE DEFICIENCY; Arylsulfatase A Deficiency; METACHROMATIC LEUKOENCEPHALOPATHY; SULFATIDE LIPIDOSIS; Cerebral sclerosis diffuse metachromatic form. Identifiers: Orphanet 512, MedGen C0023522, MONDO:0018868, OMIM 250100.

Submission:

Natera, Inc.
Classification: Likely pathogenic for Metachromatic leukodystrophy. Last evaluated: 2025-04-14. Review status: criteria provided, single submitter. Criteria: Natera Variant Classification Schema (03/2026). Collection method: clinical testing. Allele origin: germline.
Comment: The c.856C>T variant in ARSA is a missense variant predicted to cause substitution of proline to serine at amino acid 286. This variant is rare in the general population with a frequency below the threshold expected for the associated phenotype(s). This variant has been observed in one or more individuals affected with the associated recessive disease, as either homozygous or compound heterozygous with a second variant (PMID: 25965562, 24001781). Computational prediction algorithms indicate this variant is likely to affect gene or protein function. Given the available evidence, this variant is classified as Likely Pathogenic.

Literature cited by the submitters: PubMed 25965562; PubMed 24001781.

NM_000487.6(ARSA):c.856C>T (p.Pro286Ser)

Gene: ARSA (arylsulfatase A; minus strand). Cytogenetic location: 22q13.33.
Variant type: single nucleotide variant.
Coding change: c.856C>T on transcript NM_000487.6 (MANE Select); coding-DNA position 856, C replaced by T.
Protein change: p.Pro286Ser; replaces proline 286 with serine.
Molecular consequence: missense variant.
Genome position (GRCh38, 1-based): chr22:50,626,277, G>A on the plus strand (C>T on the coding strand, the complement: ARSA is on the minus strand). VCF-style: chr22-50626277-G-A. GRCh37 (hg19) VCF-style: chr22-51064705-G-A.
Other names: c.856C>T, p.Pro286Ser (NM_001085425.3, NM_001085426.3, NM_001085427.3); c.598C>T, p.Pro200Ser (NM_001085428.3, NM_001362782.2); short protein forms P200S, P286S.
Identifiers: ClinVar variation 4818454 (VCV004818454.1).